The following is an entry in ClinVar:

ClinVar aggregate classification (germline): Uncertain significance (1 of 4 stars; one submission).

Allele frequency attached by ClinVar (database versions not stated): gnomAD exomes below 0.00001.
gnomAD v4.1: 1 of 1,614,044 alleles (0.000062%); highest among the groups gnomAD compares: Non-Finnish European, 0.000085%; no homozygotes.

Submission:

GeneDx
Classification: Uncertain significance. Last evaluated: 2019-07-23. Review status: criteria provided, single submitter. Criteria: GeneDx Variant Classification Process June 2021. Collection method: clinical testing. Allele origin: germline. Affected: yes.
Comment: Not observed in large population cohorts (Lek et al., 2016); In silico analysis, which includes protein predictors and evolutionary conservation, supports that this variant does not alter protein structure/function; Has not been previously published as pathogenic or benign to our knowledge

NM_001197104.2(KMT2A):c.9299G>C (p.Gly3100Ala)

Gene: KMT2A (lysine methyltransferase 2A; plus strand). Cytogenetic location: 11q23.3.
Variant type: single nucleotide variant.
Coding change: c.9299G>C on transcript NM_001197104.2 (MANE Select); coding-DNA position 9299, G replaced by C.
Protein change: p.Gly3100Ala; replaces glycine 3100 with alanine.
Molecular consequence: missense variant.
Genome position (GRCh38, 1-based): chr11:118,505,191, G>C. VCF-style: chr11-118505191-G-C. GRCh37 (hg19) VCF-style: chr11-118375906-G-C.
Other names: c.9290G>C, p.Gly3097Ala (NM_005933.4); short protein forms G3097A, G3100A.
Identifiers: ClinVar variation 1307336 (VCV001307336.2), dbSNP rs2134404319, ClinGen allele CA382819726.